The following is an entry in ClinVar:

ClinVar aggregate classification (germline): Uncertain significance (1 of 4 stars; one submission).

Conditions:
Hereditary cancer-predisposing syndrome. Also called: Tumor predisposition; Hereditary neoplastic syndrome; Neoplastic Syndromes, Hereditary; Hereditary Cancer Syndrome. Identifiers: Orphanet 140162, MedGen C0027672, MeSH D009386, MONDO:0015356.

Submission:

Ambry Genetics
Classification: Uncertain significance for Hereditary cancer-predisposing syndrome. Last evaluated: 2025-06-02. Review status: criteria provided, single submitter. Criteria: Ambry Variant Classification Scheme 2023. Collection method: clinical testing. Allele origin: germline.
Comment: The p.E732A variant (also known as c.2195A>C), located in coding exon 13 of the DICER1 gene, results from an A to C substitution at nucleotide position 2195. The glutamic acid at codon 732 is replaced by alanine, an amino acid with dissimilar properties. This amino acid position is conserved. In addition, the in silico prediction for this alteration is inconclusive. Based on the available evidence, the clinical significance of this variant remains unclear.

NM_177438.3(DICER1):c.2195A>C (p.Glu732Ala)

Gene: DICER1 (dicer 1, ribonuclease III; minus strand). Cytogenetic location: 14q32.13.
Variant type: single nucleotide variant.
Coding change: c.2195A>C on transcript NM_177438.3 (MANE Select); coding-DNA position 2195, A replaced by C.
Protein change: p.Glu732Ala; replaces glutamic acid 732 with alanine.
Molecular consequence: missense variant. On other transcripts: non-coding transcript variant (6).
Genome position (GRCh38, 1-based): chr14:95,111,378, T>G on the plus strand (A>C on the coding strand, the complement: DICER1 is on the minus strand). VCF-style: chr14-95111378-T-G. GRCh37 (hg19) VCF-style: chr14-95577715-T-G.
Other names: c.2195A>C, p.Glu732Ala (NM_001395693.1, NM_001395694.1, NM_001395695.1 and 12 more transcripts); c.1790A>C, p.Glu597Ala (NM_001395696.1, NM_001395698.1, NM_001395687.1 and 3 more transcripts); c.512A>C, p.Glu171Ala (NM_001395697.1); c.1913A>C, p.Glu638Ala (NM_001395686.1); c.1628A>C, p.Glu543Ala (NM_001395691.1); short protein forms E171A, E732A, E543A, E597A, E638A.
Identifiers: ClinVar variation 4011686 (VCV004011686.1).
Genomic context (GRCh38, chr14:95,111,378, plus strand): 5'-GCTTTTGGGTAGCACTGCCTTCGTTTCGTGGAACCTGGTCTTCCTGGAACACTGGTCTCT[T>G]CTTCATCATGCAAATCAAGCTCCTCTTCATATTTAACAGTCTCTTTCCCAACTGGCATCA-3'
Protein context (NP_803187.1, residues 722-742): YEEELDLHDE[Glu732Ala]ETSVPGRPGS